The following is an entry in ClinVar:

NM_177438.3(DICER1):c.445A>G (p.Ile149Val)

Gene: DICER1 (dicer 1, ribonuclease III; minus strand). Cytogenetic location: 14q32.13.
Variant type: single nucleotide variant.
Coding change: c.445A>G on transcript NM_177438.3 (MANE Select); coding-DNA position 445, A replaced by G.
Protein change: p.Ile149Val; replaces isoleucine 149 with valine.
Molecular consequence: missense variant.
Genome position (GRCh38, 1-based): chr14:95,130,186, T>C on the plus strand (A>G on the coding strand, the complement: DICER1 is on the minus strand). VCF-style: chr14-95130186-T-C. GRCh37 (hg19) VCF-style: chr14-95596523-T-C.
Other names: c.445A>G, p.Ile149Val (NM_001195573.1, NM_001271282.3, NM_001291628.2 and 1 more transcripts); short protein forms I149V.
Identifiers: ClinVar variation 1401638 (VCV001401638.11), dbSNP rs2140267838, ClinGen allele CA390888604.

ClinVar aggregate classification (germline): Conflicting classifications of pathogenicity. Review status: criteria provided, conflicting classifications (1 of 4 stars). 2 submissions from 2 submitters: Uncertain significance (1); Likely benign (1). Last evaluated 2021-09-27.

Conditions:
DICER1-related tumor predisposition. Also called: DICER1 syndrome; DICER1-related pleuropulmonary blastoma cancer predisposition syndrome. Identifiers: Orphanet 284343, MedGen C3839822, MONDO:0100216.
Hereditary cancer-predisposing syndrome. Also called: Neoplastic Syndromes, Hereditary; Hereditary neoplastic syndrome; Hereditary Cancer Syndrome; Tumor predisposition. Identifiers: Orphanet 140162, MedGen C0027672, MeSH D009386, MONDO:0015356.

Submissions (2):

Ambry Genetics
Classification: Likely benign for Hereditary cancer-predisposing syndrome. Last evaluated: 2021-09-27. Review status: criteria provided, single submitter. Criteria: Ambry Variant Classification Scheme 2023. Collection method: clinical testing. Allele origin: germline.

Labcorp Genetics (formerly Invitae), Labcorp
Classification: Uncertain significance for DICER1-related tumor predisposition. Last evaluated: 2021-02-24. Review status: criteria provided, single submitter. Criteria: Invitae Variant Classification Sherloc (09022015). Collection method: clinical testing. Allele origin: germline.
Comment: Algorithms developed to predict the effect of missense changes on protein structure and function output the following: SIFT: "Tolerated"; PolyPhen-2: "Benign"; Align-GVGD: "Class C0". The valine amino acid residue is found in multiple mammalian species, suggesting that this missense change does not adversely affect protein function. These predictions have not been confirmed by published functional studies and their clinical significance is uncertain. In summary, the available evidence is currently insufficient to determine the role of this variant in disease. Therefore, it has been classified as a Variant of Uncertain Significance. This sequence change replaces isoleucine with valine at codon 149 of the DICER1 protein (p.Ile149Val). The isoleucine residue is weakly conserved and there is a small physicochemical difference between isoleucine and valine. This variant is not present in population databases (ExAC no frequency). This variant has not been reported in the literature in individuals with DICER1-related conditions.